The following is an entry in ClinVar:

ClinVar aggregate classification (germline): Uncertain significance (1 of 4 stars; one submission).

Submission:

Labcorp Genetics (formerly Invitae), Labcorp
Classification: Uncertain significance. Last evaluated: 2024-03-25. Review status: criteria provided, single submitter. Criteria: Invitae Variant Classification Sherloc (09022015). Collection method: clinical testing. Allele origin: germline.
Comment: This sequence change replaces proline, which is neutral and non-polar, with threonine, which is neutral and polar, at codon 409 of the ERBB4 protein (p.Pro409Thr). This variant is not present in population databases (gnomAD no frequency). This variant has not been reported in the literature in individuals affected with ERBB4-related conditions. Advanced modeling of protein sequence and biophysical properties (such as structural, functional, and spatial information, amino acid conservation, physicochemical variation, residue mobility, and thermodynamic stability) performed at Invitae indicates that this missense variant is not expected to disrupt ERBB4 protein function with a negative predictive value of 80%. In summary, the available evidence is currently insufficient to determine the role of this variant in disease. Therefore, it has been classified as a Variant of Uncertain Significance.

NM_005235.3(ERBB4):c.1225C>A (p.Pro409Thr)

Gene: ERBB4 (erb-b2 receptor tyrosine kinase 4; minus strand). Cytogenetic location: 2q34.
Variant type: single nucleotide variant.
Coding change: c.1225C>A on transcript NM_005235.3 (MANE Select); coding-DNA position 1225, C replaced by A.
Protein change: p.Pro409Thr; replaces proline 409 with threonine.
Molecular consequence: missense variant.
Genome position (GRCh38, 1-based): chr2:211,704,168, G>T on the plus strand (C>A on the coding strand, the complement: ERBB4 is on the minus strand). VCF-style: chr2-211704168-G-T. GRCh37 (hg19) VCF-style: chr2-212568893-G-T.
Other names: c.1225C>A, p.Pro409Thr (NM_001042599.2); short protein forms P409T.
Identifiers: ClinVar variation 3647010 (VCV003647010.2).